The following is an entry in ClinVar:

ClinVar aggregate classification (germline): Uncertain significance (1 of 4 stars; one submission).

Submission:

Labcorp Genetics (formerly Invitae), Labcorp
Classification: Uncertain significance. Last evaluated: 2024-10-22. Review status: criteria provided, single submitter. Criteria: Invitae Variant Classification Sherloc (09022015). Collection method: clinical testing. Allele origin: germline.
Comment: This variant, c.154_192del, results in the deletion of 13 amino acid(s) of the RCOR1 protein (p.Ser52_Ala64del), but otherwise preserves the integrity of the reading frame. The frequency data for this variant in the population databases is considered unreliable, as metrics indicate poor data quality at this position in the gnomAD database. This variant has not been reported in the literature in individuals affected with RCOR1-related conditions. ClinVar contains an entry for this variant (Variation ID: 1426848). Experimental studies and prediction algorithms are not available or were not evaluated, and the functional significance of this variant is currently unknown. In summary, the available evidence is currently insufficient to determine the role of this variant in disease. Therefore, it has been classified as a Variant of Uncertain Significance.

NM_015156.4(RCOR1):c.154_192del (p.Ser52_Ala64del)

Genes: RCOR1 (REST corepressor 1; plus strand), LOC130056530 (ATAC-STARR-seq lymphoblastoid silent region 6127; plus strand). Cytogenetic location: 14q32.31.
Variant type: Deletion.
Coding change: c.154_192del on transcript NM_015156.4 (MANE Select); coding-DNA positions 154 to 192, 39 bases deleted.
Protein change: p.Ser52_Ala64del.
Molecular consequence: inframe deletion.
Genome position (GRCh38, 1-based): chr14:102,593,040-102,593,078, 39 bases deleted; deleting any 39 consecutive bases within chr14:102,593,030-102,593,078 gives the same sequence; the c. name uses the placement nearest the transcript's 3' end. GRCh37 (hg19): chr14:103,059,377-103,059,415.
Identifiers: ClinVar variation 1426848 (VCV001426848.8), dbSNP rs745372050, ClinGen allele CA7358693.
Genomic context (GRCh38, chr14:102,593,029, plus strand): 5'-CCGCCGCCTCCGCCGCCGCCTCGGCCGCCTGCGCCTCGCCAGCCGCCACTGCCGCCTCGG[GCGCCGCCGCCTCCTCAGCCTCGGCCGCCGCCGCCTCAGC>G]CGCCGCCGCCCCCAATAATGGCCAGAATAAAAGTTTGGCGGCGGCGGCGCCCAATGGCAA-3'